The following is an entry in ClinVar:

ClinVar aggregate classification (germline): Uncertain significance (1 of 4 stars; one submission).

Conditions:
Liver disease, severe congenital (SCOLIV). Also called: FOCAD DEFICIENCY. Identifiers: MedGen C5774195, MONDO:0859273, OMIM 619991.

gnomAD v4.1: 96 of 152,254 alleles (0.063%); highest among the groups gnomAD compares: Middle Eastern, 0.34%; no homozygotes.

Submission:

3billion
Classification: Uncertain significance for Liver disease, severe congenital. Last evaluated: 2025-09-30. Review status: criteria provided, single submitter. Criteria: ACMG Guidelines, 2015. Collection method: clinical testing. Allele origin: germline. Affected: yes.
Comment: The variant is observed at an extremely low frequency in the gnomAD v4.1.0 dataset (total allele frequency: 0.063%). Predicted Consequence/Location: Intron variant In silico tools predict the variant to alter splicing and produce an abnormal transcript [SpliceAI: 0.34 (>=0.2, moderate evidence for spliceogenicity)]. Therefore, this variant is classified as VUS according to the recommendation of ACMG/AMP guideline.

NM_001375567.1(FOCAD):c.1663-166A>G

Gene: FOCAD (focadhesin; plus strand). Cytogenetic location: 9p21.3.
Variant type: single nucleotide variant.
Coding change: c.1663-166A>G on transcript NM_001375567.1 (MANE Select); 166 bases into the intron before coding-DNA position 1663, A replaced by G.
Molecular consequence: intron variant.
Genome position (GRCh38, 1-based): chr9:20,820,775, A>G. VCF-style: chr9-20820775-A-G. GRCh37 (hg19) VCF-style: chr9-20820774-A-G.
Other names: c.1663-166A>G (NM_017794.5); c.1558-166A>G (NM_001375568.1, NM_001375570.1).
Identifiers: ClinVar variation 4854367 (VCV004854367.1).